The following is an entry in ClinVar:

ClinVar aggregate classification (germline): Benign (0 of 4 stars; one submission).

Conditions:
TECTB-related disorder. Also called: TECTB-related condition.

Allele frequency attached by ClinVar (database versions not stated): ESP Exome Variant Server 0.49262; TOPMed 0.53100; 1000 Genomes Project 30x 0.58276.
gnomAD v4.1: 780,517 of 1,613,384 alleles (48%); highest among the groups gnomAD compares: East Asian, 75%; 193,549 homozygotes.

Submission:

PreventionGenetics, part of Exact Sciences
Classification: Benign for TECTB-related condition. Last evaluated: 2019-06-20. Review status: no assertion criteria provided. Collection method: clinical testing. Allele origin: germline.
Comment: This variant is classified as benign based on ACMG/AMP sequence variant interpretation guidelines (Richards et al. 2015 PMID: 25741868, with internal and published modifications).

NM_058222.3(TECTB):c.534C>G (p.Ser178=)

Gene: TECTB (tectorin beta; plus strand). Cytogenetic location: 10q25.2.
Variant type: single nucleotide variant.
Coding change: c.534C>G on transcript NM_058222.3 (MANE Select); coding-DNA position 534, C replaced by G.
Protein change: p.Ser178=; no amino-acid change (serine 178 retained).
Molecular consequence: synonymous variant.
Genome position (GRCh38, 1-based): chr10:112,293,788, C>G. VCF-style: chr10-112293788-C-G. GRCh37 (hg19) VCF-style: chr10-114053546-C-G.
Identifiers: ClinVar variation 3059723 (VCV003059723.2), dbSNP rs726009, ClinGen allele CA5691059.
Genomic context (GRCh38, chr10:112,293,788, plus strand): 5'-CCTTCCAAAGAATGCCAAGTTCTCCATCAAGAAAGAAGCTCCCTTTGTCCTGGAGGCATC[C>G]GAAATCGGTTCAGATCTGTTTGCAGGAGTGGAAGCCAAAGGGTTAAGCATTAGGTAAGTA-3'
Protein context (NP_478129.1, residues 168-188): KKEAPFVLEA[Ser178=]EIGSDLFAGV